The following is an entry in ClinVar:

NM_000350.3(ABCA4):c.5512C>G (p.His1838Asp)

Gene: ABCA4 (ATP binding cassette subfamily A member 4; minus strand). Cytogenetic location: 1p22.1.
Variant type: single nucleotide variant.
Coding change: c.5512C>G on transcript NM_000350.3 (MANE Select); coding-DNA position 5512, C replaced by G.
Protein change: p.His1838Asp; replaces histidine 1838 with aspartic acid.
Molecular consequence: missense variant.
Genome position (GRCh38, 1-based): chr1:94,011,334, G>C on the plus strand (C>G on the coding strand, the complement: ABCA4 is on the minus strand). VCF-style: chr1-94011334-G-C. GRCh37 (hg19) VCF-style: chr1-94476890-G-C.
Other names: c.5290C>G, p.His1764Asp (NM_001425324.1); short protein forms H1838D, H1764D.
Identifiers: ClinVar variation 99380 (VCV000099380.19), dbSNP rs62642562, ClinGen allele CA227313.

ClinVar aggregate classification (germline): Pathogenic/Likely pathogenic. Review status: criteria provided, multiple submitters, no conflicts (2 of 4 stars). 11 submissions from 10 submitters: Pathogenic (5); Likely pathogenic (4). 2 of the submissions do not count toward it. Last evaluated 2026-06-19.

Conditions:
ABCA4-related disorder. Also called: ABCA4-related disorders; ABCA4-related condition. Identifiers: MedGen CN239167.
Retinal dystrophy. Also called: Inherited retinal dystrophy. Identifiers: Orphanet 71862, MedGen C0854723, MeSH D058499, MONDO:0019118, HP:0000556.
Severe early-childhood-onset retinal dystrophy (STGD1). Also called: Stargardt macular dystrophy; Juvenile onset macular degeneration; Stargardt disease 1; STGD; MACULAR DYSTROPHY WITH FLECKS, TYPE 1. Identifiers: Orphanet 364055, Orphanet 827, MedGen C1855465, MeSH D000080362, MONDO:0009549, OMIM 248200.

gnomAD v4.1: 2 of 1,614,120 alleles (0.00012%); highest among the groups gnomAD compares: Middle Eastern, 0.016%; no homozygotes.

Submissions (11):

PreventionGenetics, part of Exact Sciences
Classification: Pathogenic for ABCA4-related condition. Last evaluated: 2026-06-19. Review status: criteria provided, single submitter. Criteria: ACMG Guidelines, 2015. Collection method: clinical testing. Allele origin: germline.
Comment: The ABCA4 c.5512C>G variant is predicted to result in the amino acid substitution p.His1838Asp. This variant has been reported in individuals with inherited retinal disease (Supplemental table 3, Schulz et al. 2017. PubMed ID: 28118664; Supplemental Table 1, Birtel et al. 2018. PubMed ID: 29555955; Table S2, Lionel et al. 2018. PubMed ID: 28771251) and creates a complex allele when in cis with the c.5882G>A ABCA4 variant that has been reported in individuals with severe Stargardt disease (Supplementary Tables, Riveiro-Alvarez et al. 2013. PubMed ID: 23755871; Supplementary Table 1, Chacon-Camacho et al. 2024. PubMed ID: 39162841; Bodenbender et al. 2025. PubMed ID: 40643605). The complex allele has been noted to segregate with the disorder in a family (Burke et al. 2012. PubMed ID: 22661473). An in vitro experimental study suggests this variant causes endoplasmic reticulum retention and reduces substrate binding (Garces et al. 2020. PubMed ID: 33375396). This variant is reported in 0.00088% of alleles in individuals of European (non-Finnish) descent in gnomAD and is classified as pathogenic or likely pathogenic in ClinVar (Variation ID: 99380). Alternate variants at the same amino acid position (p.His1838Arg, p.His1838Asn, p.His1838Tyr) have been reported to impact protein function and are noted to reside in a highly conserved region that is important for proper protein folding and transport function (Garces et al. 2020. PubMed ID: 33375396). Given the evidence, we interpret c.5512C>G (p.His1838Asp), both alone and as part of a complex allele, as pathogenic.

Labcorp Genetics (formerly Invitae), Labcorp
Classification: Pathogenic. Last evaluated: 2025-02-10. Review status: criteria provided, single submitter. Criteria: Invitae Variant Classification Sherloc (09022015). Collection method: clinical testing. Allele origin: germline.
Comment: This sequence change replaces histidine, which is basic and polar, with aspartic acid, which is acidic and polar, at codon 1838 of the ABCA4 protein (p.His1838Asp). This variant is present in population databases (rs62642562, gnomAD 0.0009%). This missense change has been observed in individual(s) with ABCA4-related conditions (PMID: 28771251; internal data). In at least one individual the data is consistent with being in trans (on the opposite chromosome) from a pathogenic variant. ClinVar contains an entry for this variant (Variation ID: 99380). Invitae Evidence Modeling of protein sequence and biophysical properties (such as structural, functional, and spatial information, amino acid conservation, physicochemical variation, residue mobility, and thermodynamic stability) indicates that this missense variant is expected to disrupt ABCA4 protein function with a positive predictive value of 95%. This variant disrupts the p.His1838 amino acid residue in ABCA4. Other variant(s) that disrupt this residue have been observed in individuals with ABCA4-related conditions (PMID: 28118664, 30029497), which suggests that this may be a clinically significant amino acid residue. For these reasons, this variant has been classified as Pathogenic.

3billion
Classification: Pathogenic for ABCA4-related disorder. Last evaluated: 2025-01-21. Review status: criteria provided, single submitter. Criteria: ACMG Guidelines, 2015. Collection method: clinical testing. Allele origin: germline. Affected: yes.
Comment: The variant is observed at an extremely low frequency in the gnomAD v4.1.0 dataset (total allele frequency: <0.001%). Predicted Consequence/Location: Missense variant In silico tool predictions suggest damaging effect of the variant on gene or gene product [REVEL: 0.91 (>=0.6, sensitivity 0.68 and specificity 0.92); 3Cnet: 0.99 (>=0.6, sensitivity 0.72 and precision 0.9)]. The same nucleotide change resulting in the same amino acid change has been previously reported as pathogenic/likely pathogenic with strong evidence (ClinVar ID: VCV000099380 /PMID: 23755871 /3billion dataset). The variant has been reported to be in trans with a pathogenic variant as either compound heterozygous or homozygous in at least one similarly affected unrelated individual (PMID: 30029497). Different missense changes at the same codon (p.His1838Arg, p.His1838Asn, p.His1838Tyr) have been reported as pathogenic/likely pathogenic with strong evidence (ClinVar ID: VCV000099381, VCV000236133, VCV000236134 /PMID: 15192030, 28118664, 9973280 /3billion dataset). Therefore, this variant is classified as Pathogenic according to the recommendation of ACMG/AMP guideline.

Dubai Health Genomic Medicine Center, Dubai Health
Classification: Pathogenic for Retinal dystrophy. Last evaluated: 2024-10-04. Review status: criteria provided, single submitter. Criteria: ACMG Guidelines, 2015. Collection method: research. Allele origin: germline. Affected: yes.
Comment: PM5,PM3(strong),PM2,PP3,PS3

Blueprint Genetics
Classification: Pathogenic for ABCA4-related disorders. Last evaluated: 2024-06-25. Review status: criteria provided, single submitter. Criteria: ACMG Guidelines, 2015. Collection method: clinical testing. Allele origin: germline. Affected: yes. Observed: 5 variant alleles.

Institute of Human Genetics, University of Leipzig Medical Center
Classification: Likely pathogenic for Severe early-childhood-onset retinal dystrophy. Last evaluated: 2024-05-29. Review status: criteria provided, single submitter. Criteria: ACMG Guidelines, 2015. Collection method: clinical testing. Allele origin: paternal. Inheritance: Autosomal recessive inheritance. Affected: yes.
Comment: Criteria applied: PM5_STR,PM3,PM2_SUP,PP3

Institute of Medical Genetics and Applied Genomics, University Hospital Tübingen
Classification: Likely pathogenic. Last evaluated: 2021-06-17. Review status: criteria provided, single submitter. Criteria: ACMG Guidelines, 2015. Collection method: clinical testing. Allele origin: germline. Inheritance: Autosomal recessive inheritance. Affected: yes.

Institute of Human Genetics, Univ. Regensburg, Univ. Regensburg
Classification: Likely pathogenic for Retinal dystrophy. Last evaluated: 2021-01-01. Review status: criteria provided, single submitter. Criteria: ACMG Guidelines, 2015. Collection method: clinical testing. Allele origin: germline. Affected: yes.

Institute of Human Genetics, Univ. Regensburg, Univ. Regensburg
Classification: Likely pathogenic for Severe early-childhood-onset retinal dystrophy. Last evaluated: 2016-01-01. Review status: criteria provided, single submitter. Criteria: Schulz et al. (Invest Ophthalmol Vis Sci. 2017). Collection method: clinical testing. Allele origin: germline. Affected: yes. Observed: 1 heterozygote.

Ophthalmo-Genetics Lab, Instituto de Oftalmologia Conde de Valenciana
Classification: Pathogenic for Severe early-childhood-onset retinal dystrophy. Review status: no assertion criteria provided. Collection method: research. Allele origin: germline. Inheritance: Autosomal recessive inheritance. Affected: yes. Not counted in ClinVar's aggregate classification.

Retina International
No classification provided. Review status: no classification provided. Collection method: not provided. Allele origin: unknown. Not counted in ClinVar's aggregate classification.

Literature cited by the submitters: PubMed 28771251 (cited by Labcorp Genetics (formerly Invitae), Labcorp and Institute of Human Genetics, Univ. Regensburg, Univ. Regensburg); PubMed 28118664 (cited by Labcorp Genetics (formerly Invitae), Labcorp); PubMed 30029497 (cited by Labcorp Genetics (formerly Invitae), Labcorp and 3billion); PubMed 23755871 (cited by 3billion and Institute of Human Genetics, Univ. Regensburg, Univ. Regensburg); PubMed 15192030 (cited by 3billion); PubMed 29555955 (cited by Institute of Human Genetics, Univ. Regensburg, Univ. Regensburg); PubMed 31589614 (cited by Institute of Human Genetics, Univ. Regensburg, Univ. Regensburg); PubMed 33375396 (cited by Institute of Human Genetics, Univ. Regensburg, Univ. Regensburg); PubMed 31964843 (cited by Institute of Human Genetics, Univ. Regensburg, Univ. Regensburg); PubMed 32783370 (cited by Institute of Human Genetics, Univ. Regensburg, Univ. Regensburg); PubMed 35119454 (cited by Institute of Human Genetics, Univ. Regensburg, Univ. Regensburg); PubMed 36460718 (cited by Institute of Human Genetics, Univ. Regensburg, Univ. Regensburg); PubMed 36284460 (cited by Institute of Human Genetics, Univ. Regensburg, Univ. Regensburg); PubMed 22661473 (cited by Ophthalmo-Genetics Lab, Instituto de Oftalmologia Conde de Valenciana).